The following continues an entry in ClinVar:

NM_001114753.3(ENG):c.447G>C (p.Trp149Cys)

Gene: ENG. ClinVar aggregate classification (germline): Pathogenic. Pathogenic (1).

Submissions 6 to 11 of 11:

Mayo Clinic Laboratories, Mayo Clinic
Classification: Pathogenic. Last evaluated: 2025-02-25. Review status: criteria provided, single submitter. Criteria: ACMG Guidelines, 2015. Collection method: clinical testing. Allele origin: germline. Observed: 5 variant alleles. Not counted in ClinVar's aggregate classification.
Comment: PP1, PP3, PP4_moderate, PM2_supporting, PS3_supporting, PS4

GeneDx
Classification: Pathogenic. Last evaluated: 2025-01-09. Review status: criteria provided, single submitter. Criteria: GeneDx Variant Classification Process June 2021. Collection method: clinical testing. Allele origin: germline. Affected: yes. Not counted in ClinVar's aggregate classification.
Comment: Functional studies indicate that, in the presence of W149C, trafficking of the ENG-encoded protein to the cell membrane is inhibited, and dimerization with wild-type protein likely results in a dominant-negative effect (PMID: 10749981, 10545596, 22022569, 25080347); Not observed at significant frequency in large population cohorts (gnomAD); In silico analysis supports that this missense variant has a deleterious effect on protein structure/function; This variant is associated with the following publications: (PMID: 12667943, 9554745, 22022569, 20414677, 25080347, 16611099, 10545596, 16690726, 16752392, 10702408, 21158752, 32300199, 10749981, 22991266)

Blueprint Genetics
Classification: Pathogenic for ENG-related disorders. Last evaluated: 2024-10-28. Review status: criteria provided, single submitter. Criteria: ACMG Guidelines, 2015. Collection method: clinical testing. Allele origin: germline. Affected: yes. Observed: 3 variant alleles. Not counted in ClinVar's aggregate classification.

Fulgent Genetics
Classification: Pathogenic for Telangiectasia, hereditary hemorrhagic, type 1. Last evaluated: 2024-03-06. Review status: criteria provided, single submitter. Criteria: ACMG Guidelines, 2015. Collection method: clinical testing. Allele origin: germline. Not counted in ClinVar's aggregate classification.

Seattle Children's Hospital Molecular Genetics Laboratory, Seattle Children's Hospital
Classification: Pathogenic. Review status: criteria provided, single submitter. Criteria: ACMG Guidelines, 2015. Collection method: clinical testing. Allele origin: unknown. Inheritance: Autosomal dominant inheritance. Affected: yes. Not counted in ClinVar's aggregate classification.
Comment: The ENG p.Trp149Cys variant has been reported in several individuals with a clinical diagnosis of hereditary hemorrhagic telangiectasia (HHT) and has been shown to segregate within families (PMID: 16752392, PMID: 10702408, PMID: 9554745, PMID: 21158752, PMID: 22991266). This variant is absent from population databases (gnomAD and ExAC frequencies of zero).

PreventionGenetics, part of Exact Sciences
Classification: Pathogenic for ENG-related condition. Last evaluated: 2024-08-30. Review status: no assertion criteria provided. Collection method: clinical testing. Allele origin: germline. Not counted in ClinVar's aggregate classification.
Comment: The ENG c.447G>C variant is predicted to result in the amino acid substitution p.Trp149Cys. This variant was reported in individuals with hereditary hemorrhagic telangiectasia (McDonald et al. 2020. PubMed ID: 32300199). This variant has been reported to co-segregate with disease in several families (Nishida et al. 2012. PubMed ID: 22991266; Bourdeau et al. 2000. PubMed ID: 10702408). This variant has not been reported in a large population database, indicating this variant is rare. This variant is interpreted as pathogenic.

Literature cited by the submitters: PubMed 9554745 (cited by 4 submitters); PubMed 16690726 (cited by Labcorp Genetics (formerly Invitae), Labcorp and Mayo Clinic Laboratories, Mayo Clinic); PubMed 20414677 (cited by Labcorp Genetics (formerly Invitae), Labcorp and Mayo Clinic Laboratories, Mayo Clinic); PubMed 21158752 (cited by 3 submitters); PubMed 22991266 (cited by 4 submitters); PubMed 10545596 (cited by 3 submitters); PubMed 10749981 (cited by Labcorp Genetics (formerly Invitae), Labcorp and Mayo Clinic Laboratories, Mayo Clinic); PubMed 25080347 (cited by Labcorp Genetics (formerly Invitae), Labcorp and Mayo Clinic Laboratories, Mayo Clinic); PubMed 10702408 (cited by Ambry Genetics and Seattle Children's Hospital Molecular Genetics Laboratory, Seattle Children's Hospital); PubMed 22022569 (cited by Ambry Genetics); PubMed 11343967 (cited by Mayo Clinic Laboratories, Mayo Clinic); PubMed 16752392 (cited by Mayo Clinic Laboratories, Mayo Clinic and Seattle Children's Hospital Molecular Genetics Laboratory, Seattle Children's Hospital); PubMed 32300199 (cited by Mayo Clinic Laboratories, Mayo Clinic).